The following is an entry in ClinVar:

ClinVar aggregate classification (germline): Uncertain significance (1 of 4 stars; one submission).

Conditions:
Inborn genetic diseases. Identifiers: MedGen C0950123, MeSH D030342.

Submission:

Ambry Genetics
Classification: Uncertain significance for Inborn genetic diseases. Last evaluated: 2022-01-28. Review status: criteria provided, single submitter. Criteria: Ambry Variant Classification Scheme 2023. Collection method: clinical testing. Allele origin: germline.
Comment: The p.L1012F variant (also known as c.3034C>T), located in coding exon 23 of the BUB1B gene, results from a C to T substitution at nucleotide position 3034. The leucine at codon 1012 is replaced by phenylalanine, an amino acid with highly similar properties. This amino acid position is conserved. In addition, this alteration is predicted to be tolerated by in silico analysis. Since supporting evidence is limited at this time, the clinical significance of this alteration remains unclear.

NM_001211.6(BUB1B):c.3034C>T (p.Leu1012Phe)

Genes: BUB1B (BUB1 mitotic checkpoint serine/threonine kinase B; plus strand), BUB1B-PAK6 (BUB1B-PAK6 readthrough; plus strand). Cytogenetic location: 15q15.1.
Variant type: single nucleotide variant.
Coding change: c.3034C>T on transcript NM_001211.6 (MANE Select); coding-DNA position 3034, C replaced by T.
Protein change: p.Leu1012Phe; replaces leucine 1012 with phenylalanine.
Molecular consequence: missense variant. On other transcripts: intron variant (2).
Genome position (GRCh38, 1-based): chr15:40,220,640, C>T. VCF-style: chr15-40220640-C-T. GRCh37 (hg19) VCF-style: chr15-40512841-C-T.
Other names: c.-201+2973C>T (NM_001128628.3); c.-118+2973C>T (NM_001128629.3); short protein forms L1012F.
Identifiers: ClinVar variation 1799075 (VCV001799075.2), dbSNP rs2542593962, ClinGen allele CA391689893.